The following is an entry in ClinVar:

ClinVar aggregate classification (germline): Uncertain significance (1 of 4 stars; one submission).

Conditions:
Familial cancer of breast. Also called: hereditary breast carcinoma; BREAST CANCER, FAMILIAL; Hereditary breast cancer. Identifiers: Orphanet 227535, MedGen C0346153, MONDO:0016419, OMIM 114480. Disease mechanism: loss of function.

Submission:

Labcorp Genetics (formerly Invitae), Labcorp
Classification: Uncertain significance for Familial cancer of breast. Last evaluated: 2024-04-08. Review status: criteria provided, single submitter. Criteria: Invitae Variant Classification Sherloc (09022015). Collection method: clinical testing. Allele origin: germline.
Comment: This sequence change replaces proline, which is neutral and non-polar, with leucine, which is neutral and non-polar, at codon 522 of the CHEK2 protein (p.Pro522Leu). This variant is not present in population databases (gnomAD no frequency). This variant has not been reported in the literature in individuals affected with CHEK2-related conditions. Algorithms developed to predict the effect of missense changes on protein structure and function output the following: SIFT: "Not Available"; PolyPhen-2: "Benign"; Align-GVGD: "Not Available". The leucine amino acid residue is found in multiple mammalian species, which suggests that this missense change does not adversely affect protein function. In summary, the available evidence is currently insufficient to determine the role of this variant in disease. Therefore, it has been classified as a Variant of Uncertain Significance.

NM_007194.4(CHEK2):c.1565C>T (p.Pro522Leu)

Gene: CHEK2 (checkpoint kinase 2; minus strand). Cytogenetic location: 22q12.1.
Variant type: single nucleotide variant.
Coding change: c.1565C>T on transcript NM_007194.4 (MANE Select); coding-DNA position 1565, C replaced by T.
Protein change: p.Pro522Leu; replaces proline 522 with leucine.
Molecular consequence: missense variant.
Genome position (GRCh38, 1-based): chr22:28,687,964, G>A on the plus strand (C>T on the coding strand, the complement: CHEK2 is on the minus strand). VCF-style: chr22-28687964-G-A. GRCh37 (hg19) VCF-style: chr22-29083952-G-A.
Other names: c.1694C>T, p.Pro565Leu (NM_001005735.3); c.902C>T, p.Pro301Leu (NM_001257387.3); c.1364C>T, p.Pro455Leu (NM_001349956.3); c.1478C>T, p.Pro493Leu (NM_145862.3); short protein forms P455L, P565L, P522L, P301L, P493L.
Identifiers: ClinVar variation 3649136 (VCV003649136.2).